The following is an entry in ClinVar:

ClinVar aggregate classification (germline): Uncertain significance (1 of 4 stars; one submission).

Conditions:
Inborn genetic diseases. Identifiers: MedGen C0950123, MeSH D030342.

Allele frequency attached by ClinVar (database versions not stated): gnomAD exomes below 0.00001.
gnomAD v4.1: 1 of 1,614,114 alleles (0.000062%); highest among the groups gnomAD compares: Non-Finnish European, 0.000085%; no homozygotes.

Submission:

Ambry Genetics
Classification: Uncertain significance for Inborn genetic diseases. Last evaluated: 2022-07-01. Review status: criteria provided, single submitter. Criteria: Ambry Variant Classification Scheme 2023. Collection method: clinical testing. Allele origin: germline.
Comment: The p.G307E variant (also known as c.920G>A), located in coding exon 9 of the RAD51 gene, results from a G to A substitution at nucleotide position 920. The glycine at codon 307 is replaced by glutamic acid, an amino acid with similar properties. This amino acid position is conserved. In addition, this alteration is predicted to be deleterious by in silico analysis. Since supporting evidence is limited at this time, the clinical significance of this alteration remains unclear.

NM_002875.5(RAD51):c.920G>A (p.Gly307Glu)

Gene: RAD51 (RAD51 recombinase; plus strand). Cytogenetic location: 15q15.1.
Variant type: single nucleotide variant.
Coding change: c.920G>A on transcript NM_002875.5 (MANE Select); coding-DNA position 920, G replaced by A.
Protein change: p.Gly307Glu; replaces glycine 307 with glutamic acid.
Molecular consequence: missense variant. On other transcripts: synonymous variant (1).
Genome position (GRCh38, 1-based): chr15:40,731,078, G>A. VCF-style: chr15-40731078-G-A. GRCh37 (hg19) VCF-style: chr15-41023276-G-A.
Other names: c.923G>A, p.Gly308Glu (NM_001164269.2, NM_133487.4); c.798G>A, p.Arg266= (NM_001164270.2); short protein forms G307E, G308E.
Identifiers: ClinVar variation 1766199 (VCV001766199.2), dbSNP rs762285836, ClinGen allele CA391760683.
Genomic context (GRCh38, chr15:40,731,078, plus strand): 5'-TAATAAATTGGTGCTTTGGTCTGTGTCTTTGGGTCAGATTGTATCTGAGGAAAGGAAGAG[G>A]GGAAACCAGAATCTGCAAAATCTACGACTCTCCCTGTCTTCCTGAAGCTGAAGCTATGTT-3'
Protein context (NP_002866.2, residues 297-317): TTRLYLRKGR[Gly307Glu]ETRICKIYDS